The following is an entry in ClinVar:

ClinVar aggregate classification (germline): Pathogenic/Likely pathogenic. Review status: criteria provided, multiple submitters, no conflicts (2 of 4 stars). 3 submissions from 3 submitters: Pathogenic (1); Likely pathogenic (2). Last evaluated 2026-03-11.

Conditions:
TTLL5-related disorder. Also called: TTLL5-related condition.

Allele frequency attached by ClinVar (database versions not stated): ExAC 0.00002; TOPMed 0.00006; gnomAD 0.00007 and 0.00008.
gnomAD v4.1: 116 of 1,571,878 alleles (0.0074%); highest among the groups gnomAD compares: Non-Finnish European, 0.0096%; no homozygotes.

Submissions (3):

PreventionGenetics, part of Exact Sciences
Classification: Likely pathogenic for TTLL5-related condition. Last evaluated: 2026-03-11. Review status: criteria provided, single submitter. Criteria: ACMG Guidelines, 2015. Collection method: clinical testing. Allele origin: germline.
Comment: The TTLL5 c.3508C>T variant is predicted to result in premature protein termination (p.Arg1170*). This variant was reported in an individual with Cone-rod dystrophy (Hitti-Malin et al. 2024. PubMed ID: 38540785). This variant is reported in 0.0070% of alleles in individuals of European (Non-Finnish) descent in gnomAD. This variant is reported in 0.0070% of alleles in individuals of European (Non-Finnish) descent in gnomAD. Nonsense variants in TTLL5 are expected to be pathogenic. This variant is interpreted as likely pathogenic.

Labcorp Genetics (formerly Invitae), Labcorp
Classification: Pathogenic. Last evaluated: 2025-10-29. Review status: criteria provided, single submitter. Criteria: Invitae Variant Classification Sherloc (09022015). Collection method: clinical testing. Allele origin: germline.
Comment: This sequence change creates a premature translational stop signal (p.Arg1170*) in the TTLL5 gene. It is expected to result in an absent or disrupted protein product. Loss-of-function variants in TTLL5 are known to be pathogenic (PMID: 24791901, 27162334). This variant is present in population databases (rs769845921, gnomAD 0.007%). This variant has not been reported in the literature in individuals affected with TTLL5-related conditions. ClinVar contains an entry for this variant (Variation ID: 866515). For these reasons, this variant has been classified as Pathogenic.

Blueprint Genetics
Classification: Likely pathogenic for TTLL5-related disorders. Last evaluated: 2024-03-20. Review status: criteria provided, single submitter. Criteria: ACMG Guidelines, 2015. Collection method: clinical testing. Allele origin: germline. Affected: yes. Observed: 5 variant alleles.

Literature cited by the submitters: PubMed 24791901 (cited by Labcorp Genetics (formerly Invitae), Labcorp); PubMed 27162334 (cited by Labcorp Genetics (formerly Invitae), Labcorp).

NM_015072.5(TTLL5):c.3508C>T (p.Arg1170Ter)

Gene: TTLL5 (tubulin tyrosine ligase like 5; plus strand). Cytogenetic location: 14q24.3.
Variant type: single nucleotide variant.
Coding change: c.3508C>T on transcript NM_015072.5 (MANE Select); coding-DNA position 3508, C replaced by T.
Protein change: p.Arg1170Ter; replaces arginine 1170 with a stop codon.
Molecular consequence: nonsense.
Genome position (GRCh38, 1-based): chr14:75,863,848, C>T. VCF-style: chr14-75863848-C-T. GRCh37 (hg19) VCF-style: chr14-76330191-C-T.
Other names: short protein forms R1170*.
Identifiers: ClinVar variation 866515 (VCV000866515.11), dbSNP rs769845921, ClinGen allele CA7280026.